The following is an entry in ClinVar:

ClinVar aggregate classification (germline): Benign. Review status: criteria provided, multiple submitters, no conflicts (2 of 4 stars). 6 submissions from 6 submitters: Benign (5). 1 of the submissions does not count toward it. Last evaluated 2026-05-01.

Conditions:
CAD-related disorder. Also called: CAD-related condition.

Allele frequency attached by ClinVar (database versions not stated): gnomAD 0.01838 and 0.02067; 1000 Genomes Project 30x 0.03607; gnomAD exomes 0.03100 and 0.02478; 1000 Genomes Project 0.03854; ESP Exome Variant Server 0.01722; ExAC 0.04430.
gnomAD v4.1: 39,099 of 1,596,882 alleles (2.4%); highest among the groups gnomAD compares: East Asian, 13%; 860 homozygotes.

Submissions (6):

Women's Health and Genetics/Laboratory Corporation of America, LabCorp
Classification: Benign. Last evaluated: 2026-05-01. Review status: criteria provided, single submitter. Criteria: LabCorp Variant Classification Summary - May 2015. Collection method: clinical testing. Allele origin: germline.

Labcorp Genetics (formerly Invitae), Labcorp
Classification: Benign. Last evaluated: 2026-02-04. Review status: criteria provided, single submitter. Criteria: Invitae Variant Classification Sherloc (09022015). Collection method: clinical testing. Allele origin: germline.

Mayo Clinic Laboratories, Mayo Clinic
Classification: Benign. Last evaluated: 2021-11-04. Review status: criteria provided, single submitter. Criteria: ACMG Guidelines, 2015. Collection method: clinical testing. Allele origin: germline. Observed: 14 variant alleles.

GeneDx
Classification: Benign. Last evaluated: 2021-05-04. Review status: criteria provided, single submitter. Criteria: GeneDx Variant Classification Process June 2021. Collection method: clinical testing. Allele origin: germline. Affected: yes.

Breakthrough Genomics
Classification: Benign. Review status: criteria provided, single submitter. Criteria: ACMG Guidelines, 2015. Collection method: not provided. Allele origin: germline. Inheritance: Autosomal recessive inheritance. Affected: yes.

PreventionGenetics, part of Exact Sciences
Classification: Benign for CAD-related condition. Last evaluated: 2019-05-09. Review status: no assertion criteria provided. Collection method: clinical testing. Allele origin: germline. Not counted in ClinVar's aggregate classification.
Comment: This variant is classified as benign based on ACMG/AMP sequence variant interpretation guidelines (Richards et al. 2015 PMID: 25741868, with internal and published modifications).

NM_004341.5(CAD):c.6660C>T (p.Thr2220=)

Genes: CAD (carbamoyl-phosphate synthetase 2, aspartate transcarbamylase, and dihydroorotase; plus strand), LOC126806172 (CDK7 strongly-dependent group 2 enhancer GRCh37_chr2:27465505-27466704; plus strand). Cytogenetic location: 2p23.3.
Variant type: single nucleotide variant.
Coding change: c.6660C>T on transcript NM_004341.5 (MANE Select); coding-DNA position 6660, C replaced by T.
Protein change: p.Thr2220=; no amino-acid change (threonine 2220 retained).
Molecular consequence: synonymous variant.
Genome position (GRCh38, 1-based): chr2:27,243,500, C>T. VCF-style: chr2-27243500-C-T. GRCh37 (hg19) VCF-style: chr2-27466368-C-T.
Other names: p.Thr2220=; c.6660C>T (NM_004341.4); c.6471C>T, p.Thr2157= (NM_001306079.2).
Identifiers: ClinVar variation 1281984 (VCV001281984.14), dbSNP rs2304684, ClinGen allele CA1574295.